The following is an entry in ClinVar:

ClinVar aggregate classification (germline): Uncertain significance (1 of 4 stars; one submission).

Submission:

Labcorp Genetics (formerly Invitae), Labcorp
Classification: Uncertain significance. Last evaluated: 2020-01-30. Review status: criteria provided, single submitter. Criteria: Invitae Variant Classification Sherloc (09022015). Collection method: clinical testing. Allele origin: germline.
Comment: In summary, the available evidence is currently insufficient to determine the role of this variant in disease. Therefore, it has been classified as a Variant of Uncertain Significance. Algorithms developed to predict the effect of missense changes on protein structure and function are either unavailable or do not agree on the potential impact of this missense change (SIFT: "Tolerated"; PolyPhen-2: "Probably Damaging"; Align-GVGD: "Class C0"). This variant has not been reported in the literature in individuals with SZT2-related conditions. This variant is not present in population databases (ExAC no frequency). This sequence change replaces proline with threonine at codon 724 of the SZT2 protein (p.Pro724Thr). The proline residue is moderately conserved and there is a small physicochemical difference between proline and threonine.

NM_001365999.1(SZT2):c.2170C>A (p.Pro724Thr)

Gene: SZT2 (SZT2 subunit of KICSTOR complex; plus strand). Cytogenetic location: 1p34.2.
Variant type: single nucleotide variant.
Coding change: c.2170C>A on transcript NM_001365999.1 (MANE Select); coding-DNA position 2170, C replaced by A.
Protein change: p.Pro724Thr; replaces proline 724 with threonine.
Molecular consequence: missense variant.
Genome position (GRCh38, 1-based): chr1:43,423,231, C>A. VCF-style: chr1-43423231-C-A. GRCh37 (hg19) VCF-style: chr1-43888902-C-A.
Other names: c.2170C>A, p.Pro724Thr (NM_015284.4); short protein forms P724T.
Identifiers: ClinVar variation 838919 (VCV000838919.7), dbSNP rs752789547, ClinGen allele CA340011280.
Genomic context (GRCh38, chr1:43,423,231, plus strand): 5'-CCCAAGGTGAAACGAAAAGGGCTAGGGGGTGCTGGTGGGGGCAGCTCTCCCTCCAAGTCA[C>A]CCCCCGTGCTGGGGCCACAGCAGGCCCTGTCTGACCGGCCCTGCCTTGTGGTCCTGCATA-3'
Protein context (NP_001352928.1, residues 714-734): AGGGSSPSKS[Pro724Thr]PVLGPQQALS